The following is an entry in ClinVar:

ClinVar aggregate classification (germline): Uncertain significance (1 of 4 stars; one submission).

Conditions:
Inborn genetic diseases. Identifiers: MedGen C0950123, MeSH D030342.

Submission:

Ambry Genetics
Classification: Uncertain significance for Inborn genetic diseases. Last evaluated: 2023-02-10. Review status: criteria provided, single submitter. Criteria: Ambry Variant Classification Scheme 2023. Collection method: clinical testing. Allele origin: germline.
Comment: The p.S1233T variant (also known as c.3698G>C), located in coding exon 27 of the LRRK2 gene, results from a G to C substitution at nucleotide position 3698. The serine at codon 1233 is replaced by threonine, an amino acid with similar properties. This amino acid position is conserved. In addition, this alteration is predicted to be tolerated by in silico analysis. Since supporting evidence is limited at this time, the clinical significance of this alteration remains unclear.

NM_198578.4(LRRK2):c.3698G>C (p.Ser1233Thr)

Gene: LRRK2 (leucine rich repeat kinase 2; plus strand). Cytogenetic location: 12q12.
Variant type: single nucleotide variant.
Coding change: c.3698G>C on transcript NM_198578.4 (MANE Select); coding-DNA position 3698, G replaced by C.
Protein change: p.Ser1233Thr; replaces serine 1233 with threonine.
Molecular consequence: missense variant.
Genome position (GRCh38, 1-based): chr12:40,304,055, G>C. VCF-style: chr12-40304055-G-C. GRCh37 (hg19) VCF-style: chr12-40697857-G-C.
Other names: short protein forms S1233T.
Identifiers: ClinVar variation 2453109 (VCV002453109.2), dbSNP rs2499781806, ClinGen allele CA384416755.
Genomic context (GRCh38, chr12:40,304,055, plus strand): 5'-GTCCCGCACACTGGAAATCTTTGAACTTAAGGGAACTCTTATTTAGCCATAATCAGATCA[G>C]CATCTTGGACTTGAGTGAAAAAGCATATTTATGGTCTAGAGTAGAGAAACTGCATCTTTC-3'
Protein context (NP_940980.4, residues 1223-1243): RELLFSHNQI[Ser1233Thr]ILDLSEKAYL